The following is an entry in ClinVar:

ClinVar aggregate classification (germline): Uncertain significance (1 of 4 stars; one submission).

Conditions:
Early-onset Lafora body disease. Also called: Epilepsy, progressive myoclonic, 10. Identifiers: Orphanet 324290, MedGen C4225258, MONDO:0014717, OMIM 616640.

Allele frequency attached by ClinVar (database versions not stated): gnomAD exomes below 0.00001.
gnomAD v4.1: 1 of 1,569,250 alleles (0.000064%); highest among the groups gnomAD compares: Middle Eastern, 0.018%; no homozygotes.

Submission:

Labcorp Genetics (formerly Invitae), Labcorp
Classification: Uncertain significance for Early-onset Lafora body disease. Last evaluated: 2022-07-06. Review status: criteria provided, single submitter. Criteria: Invitae Variant Classification Sherloc (09022015). Collection method: clinical testing. Allele origin: germline.
Comment: In summary, the available evidence is currently insufficient to determine the role of this variant in disease. Therefore, it has been classified as a Variant of Uncertain Significance. Algorithms developed to predict the effect of missense changes on protein structure and function are either unavailable or do not agree on the potential impact of this missense change (SIFT: "Tolerated"; PolyPhen-2: "Possibly Damaging"; Align-GVGD: "Class C0"). This variant has not been reported in the literature in individuals affected with PRDM8-related conditions. This variant is not present in population databases (gnomAD no frequency). This sequence change replaces glutamine, which is neutral and polar, with proline, which is neutral and non-polar, at codon 550 of the PRDM8 protein (p.Gln550Pro).

NM_001099403.2(PRDM8):c.1649A>C (p.Gln550Pro)

Gene: PRDM8 (PR/SET domain 8; plus strand). Cytogenetic location: 4q21.21.
Variant type: single nucleotide variant.
Coding change: c.1649A>C on transcript NM_001099403.2 (MANE Select); coding-DNA position 1649, A replaced by C.
Protein change: p.Gln550Pro; replaces glutamine 550 with proline.
Molecular consequence: missense variant.
Genome position (GRCh38, 1-based): chr4:80,203,111, A>C. VCF-style: chr4-80203111-A-C. GRCh37 (hg19) VCF-style: chr4-81124265-A-C.
Other names: c.1649A>C, p.Gln550Pro (NM_020226.4); short protein forms Q550P.
Identifiers: ClinVar variation 2145189 (VCV002145189.4), dbSNP rs2475917353, ClinGen allele CA357401911.